The following is an entry in ClinVar:

ClinVar aggregate classification (germline): Uncertain significance (1 of 4 stars; one submission).

Conditions:
Familial melanoma. Also called: Hereditary melanoma; Hereditary cutaneous melanoma. Identifiers: Orphanet 618, MedGen C1512419, MONDO:0018961.

Submission:

Labcorp Genetics (formerly Invitae), Labcorp
Classification: Uncertain significance for Familial melanoma. Last evaluated: 2022-12-29. Review status: criteria provided, single submitter. Criteria: Invitae Variant Classification Sherloc (09022015). Collection method: clinical testing. Allele origin: germline.
Comment: This variant has not been reported in the literature in individuals affected with CDK4-related conditions. This sequence change replaces glutamic acid, which is acidic and polar, with glycine, which is neutral and non-polar, at codon 64 of the CDK4 protein (p.Glu64Gly). This variant is not present in population databases (gnomAD no frequency). Advanced modeling of protein sequence and biophysical properties (such as structural, functional, and spatial information, amino acid conservation, physicochemical variation, residue mobility, and thermodynamic stability) performed at Invitae indicates that this missense variant is not expected to disrupt CDK4 protein function. Algorithms developed to predict the effect of sequence changes on RNA splicing suggest that this variant may disrupt the consensus splice site. In summary, the available evidence is currently insufficient to determine the role of this variant in disease. Therefore, it has been classified as a Variant of Uncertain Significance.

NM_000075.4(CDK4):c.191A>G (p.Glu64Gly)

Genes: CDK4 (cyclin dependent kinase 4; minus strand), LOC130008148 (ATAC-STARR-seq lymphoblastoid silent region 4588; plus strand). Cytogenetic location: 12q14.1.
Variant type: single nucleotide variant.
Coding change: c.191A>G on transcript NM_000075.4 (MANE Select); coding-DNA position 191, A replaced by G.
Protein change: p.Glu64Gly; replaces glutamic acid 64 with glycine.
Molecular consequence: missense variant.
Genome position (GRCh38, 1-based): chr12:57,751,527, T>C on the plus strand (A>G on the coding strand, the complement: CDK4 is on the minus strand). VCF-style: chr12-57751527-T-C. GRCh37 (hg19) VCF-style: chr12-58145310-T-C.
Other names: short protein forms E64G.
Identifiers: ClinVar variation 2824684 (VCV002824684.3), dbSNP rs2540903482, ClinGen allele CA385548531.